The following is an entry in ClinVar:

ClinVar aggregate classification (germline): Uncertain significance (1 of 4 stars; one submission).

Allele frequency attached by ClinVar (database versions not stated): gnomAD exomes below 0.00001.
gnomAD v4.1: 6 of 1,613,524 alleles (0.00037%); highest among the groups gnomAD compares: Non-Finnish European, 0.00042%; no homozygotes.

Submission:

Labcorp Genetics (formerly Invitae), Labcorp
Classification: Uncertain significance. Last evaluated: 2021-12-27. Review status: criteria provided, single submitter. Criteria: Invitae Variant Classification Sherloc (09022015). Collection method: clinical testing. Allele origin: germline.
Comment: In summary, the available evidence is currently insufficient to determine the role of this variant in disease. Therefore, it has been classified as a Variant of Uncertain Significance. Algorithms developed to predict the effect of missense changes on protein structure and function are either unavailable or do not agree on the potential impact of this missense change (SIFT: "Not Available"; PolyPhen-2: "Probably Damaging"; Align-GVGD: "Not Available"). This variant has not been reported in the literature in individuals affected with ADAMTS17-related conditions. This variant is present in population databases (rs572716880, gnomAD 0.0009%). This sequence change replaces threonine, which is neutral and polar, with isoleucine, which is neutral and non-polar, at codon 876 of the ADAMTS17 protein (p.Thr876Ile).

NM_139057.4(ADAMTS17):c.2627C>T (p.Thr876Ile)

Gene: ADAMTS17 (ADAM metallopeptidase with thrombospondin type 1 motif 17; minus strand). Cytogenetic location: 15q26.3.
Variant type: single nucleotide variant.
Coding change: c.2627C>T on transcript NM_139057.4 (MANE Select); coding-DNA position 2627, C replaced by T.
Protein change: p.Thr876Ile; replaces threonine 876 with isoleucine.
Molecular consequence: missense variant.
Genome position (GRCh38, 1-based): chr15:99,997,554, G>A on the plus strand (C>T on the coding strand, the complement: ADAMTS17 is on the minus strand). VCF-style: chr15-99997554-G-A. GRCh37 (hg19) VCF-style: chr15-100537759-G-A.
Other names: short protein forms T876I.
Identifiers: ClinVar variation 1959882 (VCV001959882.5), dbSNP rs572716880, ClinGen allele CA275479506.